The following is an entry in ClinVar:

NM_001378609.3(OTOGL):c.5094T>C (p.Asn1698=)

Gene: OTOGL (otogelin like; plus strand). Cytogenetic location: 12q21.31.
Variant type: single nucleotide variant.
Coding change: c.5094T>C on transcript NM_001378609.3 (MANE Select); coding-DNA position 5094, T replaced by C.
Protein change: p.Asn1698=; no amino-acid change (asparagine 1698 retained).
Molecular consequence: synonymous variant.
Genome position (GRCh38, 1-based): chr12:80,341,991, T>C. VCF-style: chr12-80341991-T-C. GRCh37 (hg19) VCF-style: chr12-80735771-T-C.
Other names: p.Asn1689=; c.4959T>C, p.Asn1653= (NM_001368062.3); c.5094T>C, p.Asn1698= (NM_001378610.3, NM_173591.7).
Identifiers: ClinVar variation 226952 (VCV000226952.20), dbSNP rs10778727, ClinGen allele CA6701636.

ClinVar aggregate classification (germline): Benign. Review status: criteria provided, multiple submitters, no conflicts (2 of 4 stars). 7 submissions from 7 submitters: Benign (5). 2 of the submissions do not count toward it. Last evaluated 2026-02-04.

Allele frequency attached by ClinVar (database versions not stated): gnomAD exomes 0.58432 and 0.62013; TOPMed 0.48785; gnomAD 0.51825 and 0.51063; ExAC 0.61508; 1000 Genomes Project 30x 0.48532; 1000 Genomes Project 0.49481; ESP Exome Variant Server 0.52952.

Submissions (7):

Labcorp Genetics (formerly Invitae), Labcorp
Classification: Benign. Last evaluated: 2026-02-04. Review status: criteria provided, single submitter. Criteria: Invitae Variant Classification Sherloc (09022015). Collection method: clinical testing. Allele origin: germline.

Mayo Clinic Laboratories, Mayo Clinic
Classification: Benign. Last evaluated: 2020-08-28. Review status: criteria provided, single submitter. Criteria: ACMG Guidelines, 2015. Collection method: clinical testing. Allele origin: germline. Observed: 130 variant alleles.

GeneDx
Classification: Benign. Last evaluated: 2017-05-09. Review status: criteria provided, single submitter. Criteria: GeneDx Variant Classification (06012015). Collection method: clinical testing. Allele origin: germline. Affected: yes.
Comment: This variant is considered likely benign or benign based on one or more of the following criteria: it is a conservative change, it occurs at a poorly conserved position in the protein, it is predicted to be benign by multiple in silico algorithms, and/or has population frequency not consistent with disease.

Laboratory for Molecular Medicine, Mass General Brigham Personalized Medicine
Classification: Benign. Last evaluated: 2014-11-24. Review status: criteria provided, single submitter. Criteria: LMM Criteria. Collection method: clinical testing. Allele origin: germline. Observed: 810 variant alleles.
Comment: Asn1689Asn in exon 43 of OTOGL: This variant is not expected to have clinical si gnificance because it does not alter an amino acid residue and is not located wi thin the splice consensus sequence. It has been identified in 36.2% (2963/8184) of European American chromosomes from a broad population by the NHLBI Exome Sequ encing Project (dbSNP rs10778727).

Breakthrough Genomics
Classification: Benign. Review status: criteria provided, single submitter. Criteria: ACMG Guidelines, 2015. Collection method: not provided. Allele origin: germline. Inheritance: Autosomal recessive inheritance. Affected: yes.

Diagnostic Laboratory, Department of Genetics, University Medical Center Groningen
Classification: Benign. Review status: no assertion criteria provided. Collection method: clinical testing. Allele origin: germline. Affected: yes. Study: VKGL Data-share Consensus. Not counted in ClinVar's aggregate classification.

Joint Genome Diagnostic Labs from Nijmegen and Maastricht, Radboudumc and MUMC+
Classification: Benign. Review status: no assertion criteria provided. Collection method: clinical testing. Allele origin: germline. Affected: yes. Study: VKGL Data-share Consensus. Not counted in ClinVar's aggregate classification.